The following is an entry in ClinVar:

NM_000180.4(GUCY2D):c.1270C>T (p.Arg424Trp)

Gene: GUCY2D (guanylate cyclase 2D, retinal; plus strand). Cytogenetic location: 17p13.1.
Variant type: single nucleotide variant.
Coding change: c.1270C>T on transcript NM_000180.4 (MANE Select); coding-DNA position 1270, C replaced by T.
Protein change: p.Arg424Trp; replaces arginine 424 with tryptophan.
Molecular consequence: missense variant.
Genome position (GRCh38, 1-based): chr17:8,006,606, C>T. VCF-style: chr17-8006606-C-T. GRCh37 (hg19) VCF-style: chr17-7909924-C-T.
Other names: short protein forms R424W.
Identifiers: ClinVar variation 2197865 (VCV002197865.2), dbSNP rs868112359, ClinGen allele CA287524813.

ClinVar aggregate classification (germline): Uncertain significance. Review status: criteria provided, multiple submitters, no conflicts (2 of 4 stars). 2 submissions from 2 submitters: Uncertain significance (2). Last evaluated 2023-08-01.

Conditions:
Leber congenital amaurosis 1 (LCA1). Also called: Congenital absence of the rods and cones; Leber's congenital tapetoretinal degeneration; Leber's congenital tapetoretinal dysplasia; AMAUROSIS CONGENITA OF LEBER I; RETINAL BLINDNESS, CONGENITAL. Identifiers: Orphanet 65, MedGen C2931258, MONDO:0008764, OMIM 204000.
Cone-rod dystrophy 6 (CORD6). Also called: RETINAL CONE DYSTROPHY 2; Cone dystrophy progressive. Identifiers: Orphanet 1872, MedGen C1866293, MONDO:0011143, OMIM 601777.

Allele frequency attached by ClinVar (database versions not stated): gnomAD exomes 0.00001.
gnomAD v4.1: 10 of 1,613,174 alleles (0.00062%); highest among the groups gnomAD compares: East Asian, 0.0022%; no homozygotes.

Submissions (2):

Blueprint Genetics
Classification: Uncertain significance. Last evaluated: 2023-08-01. Review status: criteria provided, single submitter. Criteria: ACMG Guidelines, 2015. Collection method: clinical testing. Allele origin: germline.

Labcorp Genetics (formerly Invitae), Labcorp
Classification: Uncertain significance for Leber congenital amaurosis 1; Cone-rod dystrophy 6. Last evaluated: 2021-08-28. Review status: criteria provided, single submitter. Criteria: Invitae Variant Classification Sherloc (09022015). Collection method: clinical testing. Allele origin: germline.
Comment: This sequence change replaces arginine with tryptophan at codon 424 of the GUCY2D protein (p.Arg424Trp). The arginine residue is moderately conserved and there is a moderate physicochemical difference between arginine and tryptophan. This variant is not present in population databases (ExAC no frequency). This variant has not been reported in the literature in individuals affected with GUCY2D-related conditions. Algorithms developed to predict the effect of missense changes on protein structure and function are either unavailable or do not agree on the potential impact of this missense change (SIFT: "Deleterious"; PolyPhen-2: "Benign"; Align-GVGD: "Class C0"). In summary, the available evidence is currently insufficient to determine the role of this variant in disease. Therefore, it has been classified as a Variant of Uncertain Significance.